The following is an entry in ClinVar:

ClinVar aggregate classification (germline): Likely pathogenic (1 of 4 stars; one submission).

Conditions:
Alveolar capillary dysplasia with pulmonary venous misalignment. Also called: ALVEOLAR CAPILLARY DYSPLASIA WITH MISALIGNMENT OF PULMONARY VEINS AND OTHER CONGENITAL ANOMALIES; Alveolar capillary dysplasia with misalignment of pulmonary veins; Congenital alveolar capillary dysplasia. Identifiers: Orphanet 210122, MedGen C2960310, MONDO:0009934, OMIM 265380.

Submission:

Department of Human Genetics, Hannover Medical School
Classification: Likely pathogenic for Alveolar capillary dysplasia with pulmonary venous misalignment. Last evaluated: 2026-07-17. Review status: criteria provided, single submitter. Criteria: ACMG Guidelines, 2015. Collection method: clinical testing. Allele origin: germline. Inheritance: Autosomal dominant inheritance. Affected: yes.
Comment: ACMG/ ClinGen SVC: PM1, PM2_Supporting, PP3_Moderate, PP4

NM_001451.3(FOXF1):c.223T>A (p.Tyr75Asn)

Genes: FENDRR (FOXF1 adjacent non-coding developmental regulatory RNA; minus strand), FOXF1 (forkhead box F1; plus strand). Cytogenetic location: 16q24.1.
Variant type: single nucleotide variant.
Coding change: c.223T>A on transcript NM_001451.3 (MANE Select); coding-DNA position 223, T replaced by A.
Protein change: p.Tyr75Asn; replaces tyrosine 75 with asparagine.
Molecular consequence: missense variant.
Genome position (GRCh38, 1-based): chr16:86,510,792, T>A. VCF-style: chr16-86510792-T-A. GRCh37 (hg19) VCF-style: chr16-86544398-T-A.
Other names: short protein forms Y75N.
Identifiers: ClinVar variation 4857765 (VCV004857765.1).
Genomic context (GRCh38, chr16:86,510,792, plus strand): 5'-GCGCTCATCGTCATGGCCATCCAGAGTTCACCCACCAAGCGCCTGACGCTGAGCGAGATC[T>A]ACCAGTTCCTGCAGAGCCGCTTCCCCTTCTTCCGGGGCTCCTACCAGGGCTGGAAGAACT-3'
Protein context (NP_001442.2, residues 65-85): PTKRLTLSEI[Tyr75Asn]QFLQSRFPFF